The following is an entry in ClinVar:

NM_000701.8(ATP1A1):c.2533G>A (p.Val845Met)

Genes: ATP1A1-AS1 (ATP1A1 antisense RNA 1; minus strand), ATP1A1 (ATPase Na+/K+ transporting subunit alpha 1; plus strand). Cytogenetic location: 1p13.1.
Variant type: single nucleotide variant.
Coding change: c.2533G>A on transcript NM_000701.8 (MANE Select); coding-DNA position 2533, G replaced by A.
Protein change: p.Val845Met; replaces valine 845 with methionine.
Molecular consequence: missense variant.
Genome position (GRCh38, 1-based): chr1:116,399,504, G>A. VCF-style: chr1-116399504-G-A. GRCh37 (hg19) VCF-style: chr1-116942126-G-A.
Other names: c.2533G>A, p.Val845Met (NM_001160233.2); c.2440G>A, p.Val814Met (NM_001160234.2); short protein forms V814M, V845M.
Identifiers: ClinVar variation 4975687 (VCV004975687.1).
Genomic context (GRCh38, chr1:116,399,504, plus strand): 5'-GAGCAGGCTGAGAGTGACATCATGAAGAGACAGCCCAGAAATCCCAAAACAGACAAACTT[G>A]TGAATGAGCGGCTGATCAGCATGGCCTATGGGCAGATTGGTAAGCTGCAGCCTGGAGTGG-3'
Protein context (NP_000692.2, residues 835-855): QPRNPKTDKL[Val845Met]NERLISMAYG

ClinVar aggregate classification (germline): Uncertain significance (1 of 4 stars; one submission).

Submission:

GeneDx
Classification: Uncertain significance. Last evaluated: 2026-02-10. Review status: criteria provided, single submitter. Criteria: GeneDx Variant Classification Process June 2021. Collection method: clinical testing. Allele origin: germline.
Comment: Not observed at significant frequency in large population cohorts (gnomAD); In silico analysis supports that this missense variant has a deleterious effect on protein structure/function; Has not been previously published as pathogenic or benign to our knowledge